The following is an entry in ClinVar:

NM_015272.5(RPGRIP1L):c.3331G>A (p.Ala1111Thr)

Gene: RPGRIP1L (RPGRIP1 like; minus strand). Cytogenetic location: 16q12.2.
Variant type: single nucleotide variant.
Coding change: c.3331G>A on transcript NM_015272.5 (MANE Select); coding-DNA position 3331, G replaced by A.
Protein change: p.Ala1111Thr; replaces alanine 1111 with threonine.
Molecular consequence: missense variant. On other transcripts: intron variant (2).
Genome position (GRCh38, 1-based): chr16:53,622,320, C>T on the plus strand (G>A on the coding strand, the complement: RPGRIP1L is on the minus strand). VCF-style: chr16-53622320-C-T. GRCh37 (hg19) VCF-style: chr16-53656232-C-T.
Other names: c.3229G>A, p.Ala1077Thr (NM_001330538.2); c.3193-3112G>A (NM_001127897.4); c.3295-3112G>A (NM_001308334.3); c.3331G>A (NM_015272.4); short protein forms A1111T, A1077T.
Identifiers: ClinVar variation 885391 (VCV000885391.34), dbSNP rs973841786, ClinGen allele CA281358352.
Genomic context (GRCh38, chr16:53,622,320, plus strand): 5'-AGGCTGAGGCAGGAAAATCGCTGGAACCCGGGAGGCGGAAGTTGCAGTGAGCTGAGATCG[C>T]GCTACTGCACCCCAGCCCGGGAGACAATGCGAGACTCTGTCTCAAAAAAAAAAAAAAAAT-3'
Protein context (NP_056087.2, residues 1101-1121): ALSPGLGCSS[Ala1111Thr]ISAHCNFRLP

ClinVar aggregate classification (germline): Conflicting classifications of pathogenicity. Review status: criteria provided, conflicting classifications (1 of 4 stars). 8 submissions from 6 submitters: Uncertain significance (5); Likely benign (1). 2 of the submissions do not count toward it. Last evaluated 2025-10-27.

Conditions:
Meckel-Gruber syndrome. Also called: GRUBER SYNDROME; Dysencephalia splachnocystica; DYSENCEPHALIA SPLANCHNOCYSTICA. Identifiers: Orphanet 564, MedGen C0265215, MONDO:0018921.
Joubert syndrome. Also called: JOUBERT-BOLTSHAUSER SYNDROME; Familial aplasia of the vermis. Identifiers: Orphanet 475, MedGen C5979921, MONDO:0018772.
Joubert syndrome 7 (JBTS7). Identifiers: Orphanet 220497, MedGen C1969053, MONDO:0012694, OMIM 611560.
Meckel syndrome, type 5 (MKS5). Identifiers: Orphanet 564, MedGen C1969052, MONDO:0012695, OMIM 611561.
COACH syndrome 3. Identifiers: MedGen C5436841, MONDO:0030862, OMIM 619113.
Nephronophthisis 8. Identifiers: MedGen CN119610.
RPGRIP1L-related disorder. Also called: RPGRIP1L-related disorders; RPGRIP1L-related condition. Identifiers: MedGen CN239416.
Retinal dystrophy. Also called: Inherited retinal dystrophy. Identifiers: Orphanet 71862, MedGen C0854723, MeSH D058499, MONDO:0019118, HP:0000556.

Allele frequency attached by ClinVar (database versions not stated): gnomAD 0.00003; TOPMed 0.00004.
gnomAD v4.1: 30 of 645,046 alleles (0.0047%); highest among the groups gnomAD compares: Non-Finnish European, 0.0065%; no homozygotes.

Submissions (8):

Labcorp Genetics (formerly Invitae), Labcorp
Classification: Uncertain significance for Joubert syndrome; Meckel-Gruber syndrome. Last evaluated: 2025-10-27. Review status: criteria provided, single submitter. Criteria: Invitae Variant Classification Sherloc (09022015). Collection method: clinical testing. Allele origin: germline.
Comment: This sequence change replaces alanine, which is neutral and non-polar, with threonine, which is neutral and polar, at codon 1111 of the RPGRIP1L protein (p.Ala1111Thr). The frequency data for this variant in the population databases is considered unreliable, as metrics indicate poor data quality at this position in the gnomAD database. This variant has not been reported in the literature in individuals affected with RPGRIP1L-related conditions. ClinVar contains an entry for this variant (Variation ID: 885391). An algorithm developed to predict the effect of missense changes on protein structure and function (PolyPhen-2) suggests that this variant is likely to be tolerated. In summary, the available evidence is currently insufficient to determine the role of this variant in disease. Therefore, it has been classified as a Variant of Uncertain Significance.

Fulgent Genetics
Classification: Uncertain significance for Joubert syndrome 7; Meckel syndrome, type 5; COACH syndrome 3. Last evaluated: 2024-04-05. Review status: criteria provided, single submitter. Criteria: ACMG Guidelines, 2015. Collection method: clinical testing. Allele origin: germline.

CeGaT Center for Human Genetics Tuebingen
Classification: Likely benign. Last evaluated: 2022-11-01. Review status: criteria provided, single submitter. Criteria: CeGaT Center For Human Genetics Tuebingen Variant Classification Criteria Version 2. Collection method: clinical testing. Allele origin: germline. Affected: yes. Observed: 1 variant allele.
Comment: RPGRIP1L: BP4

Illumina Laboratory Services, Illumina
Classification: Uncertain significance for Meckel syndrome, type 5. Last evaluated: 2017-04-27. Review status: criteria provided, single submitter. Criteria: ICSL Variant Classification Criteria 13 December 2019. Collection method: clinical testing. Allele origin: germline.

Illumina Laboratory Services, Illumina
Classification: Uncertain significance for Joubert syndrome 7. Last evaluated: 2017-04-27. Review status: criteria provided, single submitter. Criteria: ICSL Variant Classification Criteria 13 December 2019. Collection method: clinical testing. Allele origin: germline.

Illumina Laboratory Services, Illumina
Classification: Uncertain significance for Nephronophthisis 8. Last evaluated: 2017-04-27. Review status: criteria provided, single submitter. Criteria: ICSL Variant Classification Criteria 13 December 2019. Collection method: clinical testing. Allele origin: germline.

PreventionGenetics, part of Exact Sciences
Classification: Uncertain significance for RPGRIP1L-related condition. Last evaluated: 2024-04-05. Review status: no assertion criteria provided. Collection method: clinical testing. Allele origin: germline. Not counted in ClinVar's aggregate classification.
Comment: The RPGRIP1L c.3331G>A variant is predicted to result in the amino acid substitution p.Ala1111Thr. To our knowledge, this variant has not been reported in the literature. This variant is reported in 0.011% of alleles in individuals of East Asian descent in gnomAD. At this time, the clinical significance of this variant is uncertain due to the absence of conclusive functional and genetic evidence.

Institute of Human Genetics, Univ. Regensburg, Univ. Regensburg
Classification: Uncertain significance for Retinal dystrophy. Last evaluated: 2022-01-01. Review status: no assertion criteria provided. Criteria: ACMG Guidelines, 2015. Collection method: clinical testing. Allele origin: germline. Affected: yes. Not counted in ClinVar's aggregate classification.